The following is an entry in ClinVar:

ClinVar aggregate classification (germline): Uncertain significance (1 of 4 stars; one submission).

Submission:

Labcorp Genetics (formerly Invitae), Labcorp
Classification: Uncertain significance. Last evaluated: 2023-03-04. Review status: criteria provided, single submitter. Criteria: Invitae Variant Classification Sherloc (09022015). Collection method: clinical testing. Allele origin: germline.
Comment: This variant has not been reported in the literature in individuals affected with FOXA2-related conditions. This variant is not present in population databases (gnomAD no frequency). This sequence change replaces tyrosine, which is neutral and polar, with cysteine, which is neutral and slightly polar, at codon 31 of the FOXA2 protein (p.Tyr31Cys). An algorithm developed to predict the effect of missense changes on protein structure and function (PolyPhen-2) suggests that this variant is likely to be disruptive. In summary, the available evidence is currently insufficient to determine the role of this variant in disease. Therefore, it has been classified as a Variant of Uncertain Significance.

NM_021784.5(FOXA2):c.92A>G (p.Tyr31Cys)

Gene: FOXA2 (forkhead box A2; minus strand). Cytogenetic location: 20p11.21.
Variant type: single nucleotide variant.
Coding change: c.92A>G on transcript NM_021784.5 (MANE Select); coding-DNA position 92, A replaced by G.
Protein change: p.Tyr31Cys; replaces tyrosine 31 with cysteine.
Molecular consequence: missense variant.
Genome position (GRCh38, 1-based): chr20:22,583,150, T>C on the plus strand (A>G on the coding strand, the complement: FOXA2 is on the minus strand). VCF-style: chr20-22583150-T-C. GRCh37 (hg19) VCF-style: chr20-22563788-T-C.
Other names: c.74A>G, p.Tyr25Cys (NM_153675.3); short protein forms Y31C, Y25C.
Identifiers: ClinVar variation 2986428 (VCV002986428.3), dbSNP rs2514814570, ClinGen allele CA408503242.